The following is an entry in ClinVar:

ClinVar aggregate classification (germline): Uncertain significance (1 of 4 stars; one submission).

Allele frequency attached by ClinVar (database versions not stated): gnomAD exomes 0.00001; TOPMed below 0.00001; gnomAD 0.00001.
gnomAD v4.1: 10 of 1,548,770 alleles (0.00065%); highest among the groups gnomAD compares: Non-Finnish European, 0.00089%; no homozygotes.

Submission:

Labcorp Genetics (formerly Invitae), Labcorp
Classification: Uncertain significance. Last evaluated: 2025-02-18. Review status: criteria provided, single submitter. Criteria: Invitae Variant Classification Sherloc (09022015). Collection method: clinical testing. Allele origin: germline.
Comment: This sequence change replaces isoleucine, which is neutral and non-polar, with valine, which is neutral and non-polar, at codon 130 of the CACNA1D protein (p.Ile130Val). This variant is not present in population databases (gnomAD no frequency). This variant has not been reported in the literature in individuals affected with CACNA1D-related conditions. ClinVar contains an entry for this variant (Variation ID: 2998725). Invitae Evidence Modeling of protein sequence and biophysical properties (such as structural, functional, and spatial information, amino acid conservation, physicochemical variation, residue mobility, and thermodynamic stability) indicates that this missense variant is not expected to disrupt CACNA1D protein function with a negative predictive value of 80%. In summary, the available evidence is currently insufficient to determine the role of this variant in disease. Therefore, it has been classified as a Variant of Uncertain Significance.

NM_001128840.3(CACNA1D):c.388A>G (p.Ile130Val)

Gene: CACNA1D (calcium voltage-gated channel subunit alpha1 D; plus strand). Cytogenetic location: 3p21.1.
Variant type: single nucleotide variant.
Coding change: c.388A>G on transcript NM_001128840.3 (MANE Select); coding-DNA position 388, A replaced by G.
Protein change: p.Ile130Val; replaces isoleucine 130 with valine.
Molecular consequence: missense variant.
Genome position (GRCh38, 1-based): chr3:53,501,625, A>G. VCF-style: chr3-53501625-A-G. GRCh37 (hg19) VCF-style: chr3-53535652-A-G.
Other names: c.388A>G, p.Ile130Val (NM_000720.4, NM_001128839.3); short protein forms I130V.
Identifiers: ClinVar variation 2998725 (VCV002998725.3), dbSNP rs1428275832, ClinGen allele CA353382564.